The following is an entry in ClinVar:

ClinVar aggregate classification (germline): Benign/Likely benign. Review status: criteria provided, multiple submitters, no conflicts (2 of 4 stars). 5 submissions from 5 submitters: Benign (1); Likely benign (3). 1 of the submissions does not count toward it. Last evaluated 2026-06-16.

Conditions:
GRIN2A-related complex neurodevelopmental disorder. Also called: GRIN2A-related disorder; GRIN2A-related condition. Identifiers: MedGen CN379781, MONDO:1060139.
Landau-Kleffner syndrome (FESD). Also called: EPILEPSY, FOCAL, WITH SPEECH DISORDER AND WITH OR WITHOUT MENTAL RETARDATION; APHASIA, ACQUIRED, WITH EPILEPSY. Identifiers: Orphanet 1945, Orphanet 725, Orphanet 98818, MedGen C0282512, MONDO:0009509, OMIM 245570.

Allele frequency attached by ClinVar (database versions not stated): TOPMed 0.00006; ExAC 0.00007; gnomAD exomes 0.00005 and 0.00002; 1000 Genomes Project 0.00040; gnomAD 0.00007; ESP Exome Variant Server 0.00015; 1000 Genomes Project 30x 0.00031.
gnomAD v4.1: 48 of 1,613,766 alleles (0.003%); highest among the groups gnomAD compares: East Asian, 0.0089%; no homozygotes.

Submissions (5):

Women's Health and Genetics/Laboratory Corporation of America, LabCorp
Classification: Likely benign. Last evaluated: 2026-06-16. Review status: criteria provided, single submitter. Criteria: LabCorp Variant Classification Summary - May 2015. Collection method: clinical testing. Allele origin: germline.

Labcorp Genetics (formerly Invitae), Labcorp
Classification: Likely benign for Landau-Kleffner syndrome. Last evaluated: 2025-06-22. Review status: criteria provided, single submitter. Criteria: Invitae Variant Classification Sherloc (09022015). Collection method: clinical testing. Allele origin: germline.

CeGaT Center for Human Genetics Tuebingen
Classification: Likely benign. Last evaluated: 2024-03-01. Review status: criteria provided, single submitter. Criteria: CeGaT Center For Human Genetics Tuebingen Variant Classification Criteria Version 2. Collection method: clinical testing. Allele origin: germline. Affected: yes. Observed: 1 variant allele.
Comment: GRIN2A: BP4, BP7

GeneDx
Classification: Benign. Last evaluated: 2015-04-16. Review status: criteria provided, single submitter. Criteria: GeneDx Variant Classification (06012015). Collection method: clinical testing. Allele origin: germline. Affected: yes.
Comment: This variant is considered likely benign or benign based on one or more of the following criteria: it is a conservative change, it occurs at a poorly conserved position in the protein, it is predicted to be benign by multiple in silico algorithms, and/or has population frequency not consistent with disease.

PreventionGenetics, part of Exact Sciences
Classification: Likely benign for GRIN2A-related condition. Last evaluated: 2019-03-05. Review status: no assertion criteria provided. Collection method: clinical testing. Allele origin: germline. Not counted in ClinVar's aggregate classification.
Comment: This variant is classified as likely benign based on ACMG/AMP sequence variant interpretation guidelines (Richards et al. 2015 PMID: 25741868, with internal and published modifications).

NM_001134407.3(GRIN2A):c.882C>T (p.Asp294=)

Gene: GRIN2A (glutamate ionotropic receptor NMDA type subunit 2A; minus strand). Cytogenetic location: 16p13.2.
Variant type: single nucleotide variant.
Coding change: c.882C>T on transcript NM_001134407.3 (MANE Select); coding-DNA position 882, C replaced by T.
Protein change: p.Asp294=; no amino-acid change (aspartic acid 294 retained).
Molecular consequence: synonymous variant.
Genome position (GRCh38, 1-based): chr16:9,938,084, G>A on the plus strand (C>T on the coding strand, the complement: GRIN2A is on the minus strand). VCF-style: chr16-9938084-G-A. GRCh37 (hg19) VCF-style: chr16-10031941-G-A.
Other names: c.882C>T, p.Asp294= (NM_000833.5, NM_001134408.2).
Identifiers: ClinVar variation 377936 (VCV000377936.34), dbSNP rs201002710, ClinGen allele CA7896885.